The following is an entry in ClinVar:

NM_001256071.3(RNF213):c.5465C>T (p.Pro1822Leu)

Gene: RNF213 (ring finger protein 213; plus strand). Cytogenetic location: 17q25.3.
Variant type: single nucleotide variant.
Coding change: c.5465C>T on transcript NM_001256071.3 (MANE Select); coding-DNA position 5465, C replaced by T.
Protein change: p.Pro1822Leu; replaces proline 1822 with leucine.
Molecular consequence: missense variant.
Genome position (GRCh38, 1-based): chr17:80,339,832, C>T. VCF-style: chr17-80339832-C-T. GRCh37 (hg19) VCF-style: chr17-78313632-C-T.
Other names: c.5612C>T, p.Pro1871Leu (NM_001410195.1, NM_020914.5); short protein forms P1822L, P1871L.
Identifiers: ClinVar variation 2648414 (VCV002648414.27), dbSNP rs780158690, ClinGen allele CA8820336.
Genomic context (GRCh38, chr17:80,339,832, plus strand): 5'-TTGGCCACTGTCTGGCTCACCTGGCAGGGATGGGTGGGTCTCCCGTGGAGCGTTGTCTCC[C>T]GAGAGGTCTGCAGGTCGGCCAGCCCAACCTCGTCGTCTGTGGCCACTCCGAGGTGTTGCC-3'
Protein context (NP_001243000.2, residues 1812-1832): MGGSPVERCL[Pro1822Leu]RGLQVGQPNL

ClinVar aggregate classification (germline): Conflicting classifications of pathogenicity. Review status: criteria provided, conflicting classifications (1 of 4 stars). 2 submissions from 2 submitters: Uncertain significance (1); Likely benign (1). Last evaluated 2022-12-07.

Allele frequency attached by ClinVar (database versions not stated): gnomAD 0.00001; gnomAD exomes 0.00001; TOPMed 0.00002; ExAC 0.00006.
gnomAD v4.1: 19 of 1,535,616 alleles (0.0012%); highest among the groups gnomAD compares: South Asian, 0.0036%; no homozygotes.

Submissions (2):

Labcorp Genetics (formerly Invitae), Labcorp
Classification: Uncertain significance. Last evaluated: 2022-12-07. Review status: criteria provided, single submitter. Criteria: Invitae Variant Classification Sherloc (09022015). Collection method: clinical testing. Allele origin: germline.
Comment: This sequence change replaces proline, which is neutral and non-polar, with leucine, which is neutral and non-polar, at codon 1822 of the RNF213 protein (p.Pro1822Leu). This variant is present in population databases (rs780158690, gnomAD 0.009%). This variant has not been reported in the literature in individuals affected with RNF213-related conditions. Algorithms developed to predict the effect of missense changes on protein structure and function are either unavailable or do not agree on the potential impact of this missense change (SIFT: "Deleterious"; PolyPhen-2: "Probably Damaging"; Align-GVGD: "Class C0"). In summary, the available evidence is currently insufficient to determine the role of this variant in disease. Therefore, it has been classified as a Variant of Uncertain Significance.

CeGaT Center for Human Genetics Tuebingen
Classification: Likely benign. Last evaluated: 2022-04-01. Review status: criteria provided, single submitter. Criteria: CeGaT Center For Human Genetics Tuebingen Variant Classification Criteria Version 2. Collection method: clinical testing. Allele origin: germline. Affected: yes. Observed: 1 variant allele.
Comment: RNF213: BP4